The following is an entry in ClinVar:

NM_007294.4(BRCA1):c.2842G>A (p.Gly948Arg)

Gene: BRCA1 (BRCA1 DNA repair associated; minus strand). Cytogenetic location: 17q21.31.
Variant type: single nucleotide variant.
Coding change: c.2842G>A on transcript NM_007294.4 (MANE Select); coding-DNA position 2842, G replaced by A.
Protein change: p.Gly948Arg; replaces glycine 948 with arginine.
Molecular consequence: missense variant. On other transcripts: intron variant (137).
Genome position (GRCh38, 1-based): chr17:43,092,689, C>T on the plus strand (G>A on the coding strand, the complement: BRCA1 is on the minus strand). VCF-style: chr17-43092689-C-T. GRCh37 (hg19) VCF-style: chr17-41244706-C-T.
Other names: c.2839G>A, p.Gly947Arg (NM_001407587.1, NM_001407590.1, NM_001407591.1 and 22 more transcripts); c.2842G>A, p.Gly948Arg (NM_001407593.1, NM_001407594.1, NM_001407596.1 and 30 more transcripts); c.2629G>A, p.Gly877Arg (NM_001407894.1, NM_001407895.1, NM_001407896.1 and 9 more transcripts); c.2632G>A, p.Gly878Arg (NM_001407900.1, NM_001407902.1, NM_001407904.1 and 13 more transcripts); c.2578G>A, p.Gly860Arg (NM_001407920.1, NM_001407921.1, NM_001407922.1 and 9 more transcripts); c.2719G>A, p.Gly907Arg (NM_001407919.1, NM_001407648.1, NM_001407664.1 and 19 more transcripts); c.2575G>A, p.Gly859Arg (NM_001407930.1, NM_001407931.1, NM_001407932.1 and 2 more transcripts); c.2833G>A, p.Gly945Arg (NM_001407646.1, NM_001407647.1); and 41 more; short protein forms G901R, G948R, G859R, G860R, G881R, G900R, G921R, G652R.
Identifiers: ClinVar variation 1412685 (VCV001412685.9), dbSNP rs2154356683, ClinGen allele CA10596305.

ClinVar aggregate classification (germline): Conflicting classifications of pathogenicity. Review status: criteria provided, conflicting classifications (1 of 4 stars). 2 submissions from 2 submitters: Uncertain significance (1); Likely benign (1). Last evaluated 2024-08-29.

Conditions:
Hereditary cancer-predisposing syndrome. Also called: Hereditary Cancer Syndrome; Tumor predisposition; Hereditary neoplastic syndrome; Neoplastic Syndromes, Hereditary. Identifiers: Orphanet 140162, MedGen C0027672, MeSH D009386, MONDO:0015356.
Hereditary breast ovarian cancer syndrome. Also called: Hereditary breast and ovarian cancer syndrome (HBOC); Breast and ovarian cancer; Hereditary breast and ovarian cancer syndrome; Hereditary breast and/or ovarian cancer syndrome; Hereditary breast and ovarian cancer; BRCA1- and BRCA2-Associated Hereditary Breast and Ovarian Cancer. Identifiers: Orphanet 145, MedGen C0677776, MeSH D061325, MONDO:0003582. Disease mechanism: loss of function.

Submissions (2):

Labcorp Genetics (formerly Invitae), Labcorp
Classification: Uncertain significance for Hereditary breast ovarian cancer syndrome. Last evaluated: 2024-08-29. Review status: criteria provided, single submitter. Criteria: Invitae Variant Classification Sherloc (09022015). Collection method: clinical testing. Allele origin: germline.
Comment: This sequence change replaces glycine, which is neutral and non-polar, with arginine, which is basic and polar, at codon 948 of the BRCA1 protein (p.Gly948Arg). This variant is not present in population databases (gnomAD no frequency). This variant has not been reported in the literature in individuals affected with BRCA1-related conditions. ClinVar contains an entry for this variant (Variation ID: 1412685). Invitae Evidence Modeling of protein sequence and biophysical properties (such as structural, functional, and spatial information, amino acid conservation, physicochemical variation, residue mobility, and thermodynamic stability) indicates that this missense variant is not expected to disrupt BRCA1 protein function with a negative predictive value of 95%. In summary, the available evidence is currently insufficient to determine the role of this variant in disease. Therefore, it has been classified as a Variant of Uncertain Significance.

University of Washington Department of Laboratory Medicine, University of Washington
Classification: Likely benign for Hereditary cancer-predisposing syndrome. Last evaluated: 2023-03-23. Review status: criteria provided, single submitter. Criteria: Dines et al. (Genet Med. 2020). Collection method: curation. Allele origin: germline.
Comment: Missense variant in a coldspot region where missense variants are very unlikely to be pathogenic (PMID:31911673).

BRCA1 coldspot (exon 11 using historical exon numbering). Reclassification based on statistical prior probability